The following is an entry in ClinVar:

ClinVar aggregate classification (germline): Uncertain significance (1 of 4 stars; one submission).

Conditions:
Immunodeficiency, common variable, 10. Also called: DEFICIT IN ANTERIOR PITUITARY FUNCTION AND VARIABLE IMMUNODEFICIENCY; IMMUNODEFICIENCY, COMMON VARIABLE, WITH CENTRAL ADRENAL INSUFFICIENCY. Identifiers: MedGen C3809991, MONDO:0014260, OMIM 615577.

Submission:

Labcorp Genetics (formerly Invitae), Labcorp
Classification: Uncertain significance for Immunodeficiency, common variable, 10. Last evaluated: 2024-08-08. Review status: criteria provided, single submitter. Criteria: Invitae Variant Classification Sherloc (09022015). Collection method: clinical testing. Allele origin: germline.
Comment: This sequence change replaces leucine, which is neutral and non-polar, with proline, which is neutral and non-polar, at codon 818 of the NFKB2 protein (p.Leu818Pro). This variant is not present in population databases (gnomAD no frequency). This variant has not been reported in the literature in individuals affected with NFKB2-related conditions. An algorithm developed to predict the effect of missense changes on protein structure and function (PolyPhen-2) suggests that this variant is likely to be disruptive. In summary, the available evidence is currently insufficient to determine the role of this variant in disease. Therefore, it has been classified as a Variant of Uncertain Significance.

NM_001322934.2(NFKB2):c.2453T>C (p.Leu818Pro)

Gene: NFKB2 (nuclear factor kappa B subunit 2; plus strand). Cytogenetic location: 10q24.32.
Variant type: single nucleotide variant.
Coding change: c.2453T>C on transcript NM_001322934.2 (MANE Select); coding-DNA position 2453, T replaced by C.
Protein change: p.Leu818Pro; replaces leucine 818 with proline.
Molecular consequence: missense variant.
Genome position (GRCh38, 1-based): chr10:102,401,904, T>C. VCF-style: chr10-102401904-T-C. GRCh37 (hg19) VCF-style: chr10-104161661-T-C.
Other names: c.2453T>C, p.Leu818Pro (NM_001077494.3, NM_001261403.3, NM_001288724.1 and 1 more transcripts); c.2327T>C, p.Leu776Pro (NM_001322935.1); short protein forms L776P, L818P.
Identifiers: ClinVar variation 3656993 (VCV003656993.2).
Genomic context (GRCh38, chr10:102,401,904, plus strand): 5'-TGGGGCTGCGCAGCCTGGTAGACACGTACCGACAGACAACCTCACCCAGTGGCAGCCTCC[T>C]GCGCAGCTACGAGGTGGGTTGGCCTGTGCCCTGCCCCCTCCCCAGCCTCCTTTCCCGATC-3'
Protein context (NP_001309863.1, residues 808-828): RQTTSPSGSL[Leu818Pro]RSYELAGGDL